The following is an entry in ClinVar:

ClinVar aggregate classification (germline): Uncertain significance (1 of 4 stars; one submission).

Conditions:
Encephalopathy, acute, infection-induced (herpes-specific), susceptibility to, 1. Also called: Herpes simplex encephalitis, susceptibility to, 1. Identifiers: Orphanet 1930, MedGen C2750180, MONDO:0024563, OMIM 610551.

Submission:

Labcorp Genetics (formerly Invitae), Labcorp
Classification: Uncertain significance for Encephalopathy, acute, infection-induced (herpes-specific), susceptibility to, 1. Last evaluated: 2022-03-01. Review status: criteria provided, single submitter. Criteria: Invitae Variant Classification Sherloc (09022015). Collection method: clinical testing. Allele origin: germline.
Comment: This variant has not been reported in the literature in individuals affected with UNC93B1-related conditions. Variants that disrupt the consensus splice site are a relatively common cause of aberrant splicing (PMID: 17576681, 9536098). Algorithms developed to predict the effect of sequence changes on RNA splicing suggest that this variant may disrupt the consensus splice site. In summary, the available evidence is currently insufficient to determine the role of this variant in disease. Therefore, it has been classified as a Variant of Uncertain Significance. This sequence change affects codon 261 of the UNC93B1 mRNA. It is a 'silent' change, meaning that it does not change the encoded amino acid sequence of the UNC93B1 protein. This variant also falls at the last nucleotide of exon 6, which is part of the consensus splice site for this exon. This variant is not present in population databases (gnomAD no frequency).

Literature cited by the submitters: PubMed 17576681; PubMed 9536098.

NM_030930.4(UNC93B1):c.781G>C (p.Gly261Arg)

Gene: UNC93B1 (unc-93B1 regulator of TLR signaling; minus strand). Cytogenetic location: 11q13.2.
Variant type: single nucleotide variant.
Coding change: c.781G>C on transcript NM_030930.4 (MANE Select); coding-DNA position 781, G replaced by C.
Protein change: p.Gly261Arg; replaces glycine 261 with arginine.
Molecular consequence: missense variant.
Genome position (GRCh38, 1-based): chr11:67,998,359, C>G on the plus strand (G>C on the coding strand, the complement: UNC93B1 is on the minus strand). VCF-style: chr11-67998359-C-G. GRCh37 (hg19) VCF-style: chr11-67765829-C-G.
Other names: short protein forms G261R.
Identifiers: ClinVar variation 2105005 (VCV002105005.4), dbSNP rs780094017, ClinGen allele CA381574192.